The following is an entry in ClinVar:

ClinVar aggregate classification (germline): Uncertain significance. Review status: criteria provided, multiple submitters, no conflicts (2 of 4 stars). 4 submissions from 4 submitters: Uncertain significance (4). Last evaluated 2025-09-07.

Conditions:
Mitochondrial complex 2 deficiency, nuclear type 3. Also called: MITOCHONDRIAL COMPLEX II DEFICIENCY, NUCLEAR TYPE 3. Identifiers: MedGen C5436934, MONDO:0030937, OMIM 619167.
Paragangliomas with sensorineural hearing loss. Identifiers: MedGen C1868633.
Pheochromocytoma. Also called: MAX-Related Hereditary Paraganglioma-Pheochromocytoma Syndrome. Identifiers: Orphanet 29072, MedGen C0031511, MONDO:0008233, OMIM 171300, HP:0002666.
Cowden syndrome 3 (CWS3). Identifiers: Orphanet 201, MedGen CN166604, MONDO:0014045.
Carney-Stratakis syndrome. Also called: PARAGANGLIOMA AND GASTROINTESTINAL STROMAL TUMOR. Identifiers: Orphanet 97286, MedGen C1847319, MONDO:0011740, OMIM 606864.
Hereditary cancer-predisposing syndrome. Also called: Neoplastic Syndromes, Hereditary; Hereditary neoplastic syndrome; Tumor predisposition; Hereditary Cancer Syndrome. Identifiers: Orphanet 140162, MedGen C0027672, MeSH D009386, MONDO:0015356.
Hereditary pheochromocytoma and paraganglioma. Also called: Hereditary Paraganglioma-Pheochromocytoma Syndromes; Hereditary paragangliomas and pheochromocytomas; Hereditary pheochromocytoma-paraganglioma. Identifiers: Orphanet 29072, MedGen C4274332, MONDO:0017366.

Allele frequency attached by ClinVar (database versions not stated): gnomAD exomes below 0.00001; TOPMed 0.00001.
gnomAD v4.1: 1 of 1,613,296 alleles (0.000062%); highest among the groups gnomAD compares: Admixed American, 0.0017%; no homozygotes.

Submissions (4):

Labcorp Genetics (formerly Invitae), Labcorp
Classification: Uncertain significance for Carney-Stratakis syndrome; Paragangliomas with sensorineural hearing loss; Pheochromocytoma; Cowden syndrome 3. Last evaluated: 2025-09-07. Review status: criteria provided, single submitter. Criteria: Invitae Variant Classification Sherloc (09022015). Collection method: clinical testing. Allele origin: germline.
Comment: This sequence change replaces leucine, which is neutral and non-polar, with serine, which is neutral and polar, at codon 75 of the SDHD protein (p.Leu75Ser). This variant is not present in population databases (gnomAD no frequency). This variant has not been reported in the literature in individuals affected with SDHD-related conditions. ClinVar contains an entry for this variant (Variation ID: 412516). Invitae Evidence Modeling of protein sequence and biophysical properties (such as structural, functional, and spatial information, amino acid conservation, physicochemical variation, residue mobility, and thermodynamic stability) indicates that this missense variant is not expected to disrupt SDHD protein function with a negative predictive value of 80%. In summary, the available evidence is currently insufficient to determine the role of this variant in disease. Therefore, it has been classified as a Variant of Uncertain Significance.

Ambry Genetics
Classification: Uncertain significance for Hereditary cancer-predisposing syndrome. Last evaluated: 2025-05-02. Review status: criteria provided, single submitter. Criteria: Ambry Variant Classification Scheme 2023. Collection method: clinical testing. Allele origin: germline.
Comment: The p.L75S variant (also known as c.224T>C), located in coding exon 3 of the SDHD gene, results from a T to C substitution at nucleotide position 224. The leucine at codon 75 is replaced by serine, an amino acid with dissimilar properties. This amino acid position is conserved. In addition, this alteration is predicted to be deleterious by in silico analysis. Based on the available evidence, the clinical significance of this variant remains unclear.

All of Us Research Program, National Institutes of Health
Classification: Uncertain significance for Hereditary pheochromocytoma and paraganglioma. Last evaluated: 2024-08-30. Review status: criteria provided, single submitter. Criteria: ACMG Guidelines, 2015. Collection method: clinical testing. Allele origin: germline. Inheritance: Autosomal dominant inheritance. Observed: 2 variant alleles, 2 heterozygotes.
Comment: This study involves interpretation of variants in research participants for the purpose of population health screening. Participant phenotype was not available at the time of variant classification. Additional details can be found in publication PMID: 35346344, PMCID: PMC8962531

Baylor Genetics
Classification: Uncertain significance for Mitochondrial complex 2 deficiency, nuclear type 3. Last evaluated: 2023-09-15. Review status: criteria provided, single submitter. Criteria: ACMG Guidelines, 2015. Collection method: clinical testing. Allele origin: unknown.

NM_003002.4(SDHD):c.224T>C (p.Leu75Ser)

Gene: SDHD (succinate dehydrogenase complex subunit D; plus strand). Cytogenetic location: 11q23.1.
Variant type: single nucleotide variant.
Coding change: c.224T>C on transcript NM_003002.4 (MANE Select); coding-DNA position 224, T replaced by C.
Protein change: p.Leu75Ser; replaces leucine 75 with serine.
Molecular consequence: missense variant. On other transcripts: non-coding transcript variant (1), intron variant (1).
Genome position (GRCh38, 1-based): chr11:112,088,921, T>C. VCF-style: chr11-112088921-T-C. GRCh37 (hg19) VCF-style: chr11-111959645-T-C.
Other names: c.224T>C (NM_003002.2); c.107T>C, p.Leu36Ser (NM_001276504.2); c.224T>C, p.Leu75Ser (NM_001276506.2); c.169+948T>C (NM_001276503.2); short protein forms L75S, L36S.
Identifiers: ClinVar variation 412516 (VCV000412516.13), dbSNP rs1060503777, ClinGen allele CA16613467.